The following is an entry in ClinVar:

NM_000059.4(BRCA2):c.6115T>A (p.Leu2039Ile)

Gene: BRCA2 (BRCA2 DNA repair associated; plus strand). Cytogenetic location: 13q13.1.
Variant type: single nucleotide variant.
Coding change: c.6115T>A on transcript NM_000059.4 (MANE Select); coding-DNA position 6115, T replaced by A.
Protein change: p.Leu2039Ile; replaces leucine 2039 with isoleucine.
Molecular consequence: missense variant.
Genome position (GRCh38, 1-based): chr13:32,340,470, T>A. VCF-style: chr13-32340470-T-A. GRCh37 (hg19) VCF-style: chr13-32914607-T-A.
Other names: short protein forms L2039I.
Identifiers: ClinVar variation 142997 (VCV000142997.68), dbSNP rs370026879, ClinGen allele CA023669.

ClinVar aggregate classification (germline): Conflicting classifications of pathogenicity. Review status: criteria provided, conflicting classifications (1 of 4 stars). 11 submissions from 11 submitters: Uncertain significance (8); Likely benign (2). 1 of the submissions does not count toward it. Last evaluated 2026-01-20.

Conditions:
Hereditary cancer-predisposing syndrome. Also called: Tumor predisposition; Hereditary neoplastic syndrome; Hereditary Cancer Syndrome; Neoplastic Syndromes, Hereditary. Identifiers: Orphanet 140162, MedGen C0027672, MeSH D009386, MONDO:0015356.
Hereditary breast ovarian cancer syndrome. Also called: Hereditary breast and ovarian cancer; Hereditary breast and/or ovarian cancer syndrome; BRCA1- and BRCA2-Associated Hereditary Breast and Ovarian Cancer; Hereditary breast and ovarian cancer syndrome (HBOC); Hereditary breast and ovarian cancer syndrome; Breast and ovarian cancer. Identifiers: Orphanet 145, MedGen C0677776, MeSH D061325, MONDO:0003582. Disease mechanism: loss of function.
Breast-ovarian cancer, familial, susceptibility to, 2 (BROVCA2). Also called: BRCA2 Hereditary Breast and Ovarian Cancer. Identifiers: Orphanet 145, MedGen C2675520, MONDO:0012933, OMIM 612555. Disease mechanism: loss of function.

Allele frequency attached by ClinVar (database versions not stated): gnomAD exomes below 0.00001 and 0.00001; gnomAD 0.00001; TOPMed 0.00001; ESP Exome Variant Server 0.00008.
gnomAD v4.1: 7 of 1,613,602 alleles (0.00043%); highest among the groups gnomAD compares: African/African-American, 0.0013%; no homozygotes.

Submissions (11):

Labcorp Genetics (formerly Invitae), Labcorp
Classification: Uncertain significance for Hereditary breast ovarian cancer syndrome. Last evaluated: 2026-01-20. Review status: criteria provided, single submitter. Criteria: Invitae Variant Classification Sherloc (09022015). Collection method: clinical testing. Allele origin: germline.
Comment: This sequence change replaces leucine, which is neutral and non-polar, with isoleucine, which is neutral and non-polar, at codon 2039 of the BRCA2 protein (p.Leu2039Ile). This variant is present in population databases (rs370026879, gnomAD 0.007%). This variant has not been reported in the literature in individuals affected with BRCA2-related conditions. ClinVar contains an entry for this variant (Variation ID: 142997). Invitae Evidence Modeling of protein sequence and biophysical properties (such as structural, functional, and spatial information, amino acid conservation, physicochemical variation, residue mobility, and thermodynamic stability) indicates that this missense variant is not expected to disrupt BRCA2 protein function with a negative predictive value of 95%. In summary, the available evidence is currently insufficient to determine the role of this variant in disease. Therefore, it has been classified as a Variant of Uncertain Significance.

Quest Diagnostics Nichols Institute San Juan Capistrano
Classification: Uncertain significance. Last evaluated: 2025-07-31. Review status: criteria provided, single submitter. Criteria: Quest Diagnostics criteria. Collection method: clinical testing. Allele origin: unknown.
Comment: The BRCA2 c.6115T>A (p.Leu2039Ile) variant has been reported in the published literature to be located in a region of the BRCA2 gene that is tolerant to missense sequence changes (PMID: 31911673 (2020)). The frequency of this variant in the general population (Genome Aggregation Database) is uninformative in the assessment of its pathogenicity. Analysis of this variant using bioinformatics tools for the prediction of the effect of amino acid changes on protein structure and function yielded predictions that this variant is benign. Based on the available information, we are unable to determine the clinical significance of this variant.

Color Diagnostics, LLC DBA Color Health
Classification: Uncertain significance for Hereditary cancer-predisposing syndrome. Last evaluated: 2025-01-07. Review status: criteria provided, single submitter. Criteria: ACMG Guidelines, 2015. Collection method: clinical testing. Allele origin: germline.
Comment: This missense variant replaces leucine with isoleucine at codon 2039 of the BRCA2 protein. This variant is located in a cold spot region where missense variants are unlikely to be pathogenic (PMID:31911673). Computational prediction suggests that this variant may not impact protein structure and function. To our knowledge, functional studies have not been reported for this variant nor has this variant been reported in individuals affected with hereditary cancer in the literature. This variant has been reported in 2 individuals age 70 years or older without cancer in the FLOSSIES database. This variant has been identified in 2/250942 chromosomes in the general population by the Genome Aggregation Database (gnomAD). The available evidence is insufficient to determine the role of this variant in disease conclusively. Therefore, this variant is classified as a Variant of Uncertain Significance.

GeneDx
Classification: Uncertain significance. Last evaluated: 2024-12-30. Review status: criteria provided, single submitter. Criteria: GeneDx Variant Classification Process June 2021. Collection method: clinical testing. Allele origin: germline.
Comment: Not observed at significant frequency in large population cohorts (gnomAD); In silico analysis indicates that this missense variant does not alter protein structure/function; Has not been previously published as pathogenic or benign to our knowledge; Also known as 6343T>A; This variant is associated with the following publications: (PMID: 29884841, 32377563)

Ambry Genetics
Classification: Likely benign for Hereditary cancer-predisposing syndrome. Last evaluated: 2024-03-19. Review status: criteria provided, single submitter. Criteria: Ambry Variant Classification Scheme 2023. Collection method: clinical testing. Allele origin: germline.

All of Us Research Program, National Institutes of Health
Classification: Uncertain significance for Breast-ovarian cancer, familial, susceptibility to, 2. Last evaluated: 2023-05-30. Review status: criteria provided, single submitter. Criteria: ACMG Guidelines, 2015. Collection method: clinical testing. Allele origin: germline. Inheritance: Autosomal dominant inheritance. Observed: 1 variant allele, 1 heterozygote.
Comment: This missense variant replaces leucine with isoleucine at codon 2039 of the BRCA2 protein. Computational prediction suggests that this variant may not impact protein structure and function (internally defined REVEL score threshold <= 0.5, PMID: 27666373). To our knowledge, functional studies have not been reported for this variant nor has this variant been reported in individuals affected with hereditary cancer in the literature. This variant has been reported in 2 individuals age 70 years or older without cancer in the FLOSSIES database. This variant has been identified in 2/250942 chromosomes in the general population by the Genome Aggregation Database (gnomAD). The available evidence is insufficient to determine the role of this variant in disease conclusively. Therefore, this variant is classified as a Variant of Uncertain Significance.

This study involves interpretation of variants in research participants for the purpose of population health screening. Participant phenotype was not available at the time of variant classification. Additional details can be found in publication PMID: 35346344, PMCID: PMC8962531

University of Washington Department of Laboratory Medicine, University of Washington
Classification: Likely benign for Hereditary cancer-predisposing syndrome. Last evaluated: 2023-03-23. Review status: criteria provided, single submitter. Criteria: Dines et al. (Genet Med. 2020). Collection method: curation. Allele origin: germline.
Comment: Missense variant in a coldspot region where missense variants are very unlikely to be pathogenic (PMID:31911673).

BRCA2 exon 11 coldspot. Reclassification based on statistical prior probability.

Genetic Services Laboratory, University of Chicago
Classification: Uncertain significance. Last evaluated: 2021-11-21. Review status: criteria provided, single submitter. Criteria: ACMG Guidelines, 2015. Collection method: clinical testing. Allele origin: germline. Affected: no.
Comment: DNA sequence analysis of the BRCA2 gene demonstrated a sequence change, c.6115T>A, in exon 11 that results in an amino acid change, p.Leu2039Ile. This sequence change does not appear to have been previously described in individuals with BRCA2-related disorders and has also not been described in the population databases such as ExAC and gnomAD (dbSNP rs370026879). The p.Leu2039Ile change affects a poorly conserved amino acid residue located in a domain of the BRCA2 protein that is known to be functional. In-silico pathogenicity prediction tools (SIFT, PolyPhen2, Align GVGD, REVEL) provide conflicting evidence of pathogenicity for the p.Leu2039Ile substitution. Due to insufficient evidence and the lack of functional studies, the clinical significance of the p.Leu2039Ile change remains unknown at this time.

Women's Health and Genetics/Laboratory Corporation of America, LabCorp
Classification: Uncertain significance. Last evaluated: 2020-09-28. Review status: criteria provided, single submitter. Criteria: LabCorp Variant Classification Summary - May 2015. Collection method: clinical testing. Allele origin: germline.
Comment: Variant summary: BRCA2 c.6115T>A (p.Leu2039Ile) results in a conservative amino acid change in the encoded protein sequence. Five of five in-silico tools predict a benign effect of the variant on protein function. The variant allele was found at a frequency of 8e-06 in 250942 control chromosomes. The available data on variant occurrences in the general population are insufficient to allow any conclusion about variant significance. To our knowledge, no occurrence of c.6115T>A in individuals affected with Hereditary Breast And Ovarian Cancer Syndrome and no experimental evidence demonstrating its impact on protein function have been reported. Five clinical diagnostic laboratories have submitted clinical-significance assessments for this variant to ClinVar after 2014 without evidence for independent evaluation. All laboratories classified the variant as uncertain significance. Based on the evidence outlined above, the variant was classified as uncertain significance.

CeGaT Center for Human Genetics Tuebingen
Classification: Uncertain significance. Last evaluated: 2020-07-01. Review status: criteria provided, single submitter. Criteria: CeGaT Center For Human Genetics Tuebingen Variant Classification Criteria Version 2. Collection method: clinical testing. Allele origin: germline. Affected: yes. Observed: 1 variant allele.

Counsyl
Classification: Uncertain significance for Breast-ovarian cancer, familial, susceptibility to, 2. Last evaluated: 2018-02-12. Review status: no assertion criteria provided. Collection method: clinical testing. Allele origin: unknown. Not counted in ClinVar's aggregate classification.

Literature cited by the submitters: PubMed 31911673 (cited by Quest Diagnostics Nichols Institute San Juan Capistrano and Color Diagnostics, LLC DBA Color Health); PubMed 25348012 (cited by Women's Health and Genetics/Laboratory Corporation of America, LabCorp).